The following is an entry in ClinVar:

NM_000439.5(PCSK1):c.933G>A (p.Gly311=)

Genes: CAST (calpastatin; plus strand), PCSK1 (proprotein convertase subtilisin/kexin type 1; minus strand), LOC101929710 (uncharacterized LOC101929710; plus strand). Cytogenetic location: 5q15.
Variant type: single nucleotide variant.
Coding change: c.933G>A on transcript NM_000439.5 (MANE Select); coding-DNA position 933, G replaced by A.
Protein change: p.Gly311=; no amino-acid change (glycine 311 retained).
Molecular consequence: synonymous variant. On other transcripts: intron variant (11).
Genome position (GRCh38, 1-based): chr5:96,410,936, C>T on the plus strand (G>A on the coding strand, the complement: PCSK1 is on the minus strand). VCF-style: chr5-96410936-C-T. GRCh37 (hg19) VCF-style: chr5-95746640-C-T.
Other names: c.-175+31284C>T (NM_001423250.1, NM_001423251.1, NM_001423256.1 and 6 more transcripts); c.-40+31284C>T (NM_001423258.1); c.792G>A, p.Gly264= (NM_001177875.2); c.-103+31284C>T (NM_001423253.1).
Identifiers: ClinVar variation 3351667 (VCV003351667.1).
Genomic context (GRCh38, chr5:96,410,936, plus strand): 5'-GATGGAGATGGTGTAGATGCTGTCTGTGTAGCCATCACAGTCACAATTATCTCCCTGACG[C>T]CCCCCGTTTCCCGAAGCCCAGACGAAGATGGACCCCTTCCCCTGTCTCCCCTAAAGGAAA-3'
Protein context (NP_000430.3, residues 301-321): SIFVWASGNG[Gly311=]RQGDNCDCDG

ClinVar aggregate classification (germline): Likely benign (0 of 4 stars; one submission).

Conditions:
PCSK1-related disorder. Also called: PCSK1-related condition.

gnomAD v4.1: 2 of 1,613,858 alleles (0.00012%); highest among the groups gnomAD compares: Non-Finnish European, 0.00017%; no homozygotes.

Submission:

PreventionGenetics, part of Exact Sciences
Classification: Likely benign for PCSK1-related condition. Last evaluated: 2024-06-25. Review status: no assertion criteria provided. Collection method: clinical testing. Allele origin: germline.
Comment: This variant is classified as likely benign based on ACMG/AMP sequence variant interpretation guidelines (Richards et al. 2015 PMID: 25741868, with internal and published modifications).